The following is an entry in ClinVar:

ClinVar aggregate classification (germline): Uncertain significance (1 of 4 stars; one submission).

Conditions:
Microcephaly 5, primary, autosomal recessive (MCPH5). Also called: ASPM Primary Microcephaly. Identifiers: Orphanet 2512, MedGen C1837501, MONDO:0012106, OMIM 608716.

gnomAD v4.1: 36 of 1,610,726 alleles (0.0022%); highest among the groups gnomAD compares: South Asian, 0.012%; no homozygotes.

Submission:

3billion
Classification: Uncertain significance for Microcephaly 5, primary, autosomal recessive. Last evaluated: 2025-05-15. Review status: criteria provided, single submitter. Criteria: ACMG Guidelines, 2015. Collection method: clinical testing. Allele origin: germline. Affected: yes.
Comment: The variant is observed at an extremely low frequency in the gnomAD v4.1.0 dataset (total allele frequency: 0.002%). Predicted Consequence/Location: Missense variant. The majority of the known disease-causing variants of this gene are variants expected to result in premature termination of the protein. In silico tool predictions suggest damaging effect of the variant on gene or gene product [REVEL: 0.66 (>=0.6, sensitivity 0.68 and specificity 0.92)]. Different missense changes at the same codon have been reported as of uncertain significance (ClinVar ID: VCV000764935). Therefore, this variant is classified as VUS according to the recommendation of ACMG/AMP guideline.

NM_018136.5(ASPM):c.9271C>T (p.Arg3091Cys)

Gene: ASPM (assembly factor for spindle microtubules; minus strand). Cytogenetic location: 1q31.3.
Variant type: single nucleotide variant.
Coding change: c.9271C>T on transcript NM_018136.5 (MANE Select); coding-DNA position 9271, C replaced by T.
Protein change: p.Arg3091Cys; replaces arginine 3091 with cysteine.
Molecular consequence: missense variant.
Genome position (GRCh38, 1-based): chr1:197,093,075, G>A on the plus strand (C>T on the coding strand, the complement: ASPM is on the minus strand). VCF-style: chr1-197093075-G-A. GRCh37 (hg19) VCF-style: chr1-197062205-G-A.
Other names: c.4516C>T, p.Arg1506Cys (NM_001206846.2); short protein forms R1506C, R3091C.
Identifiers: ClinVar variation 4854110 (VCV004854110.1).
Genomic context (GRCh38, chr1:197,093,075, plus strand): 5'-TTTATAAGAATGAGATATGCTACTTGAAAATACTTACTCTTTTTCGTACTAGCCAACCAC[G>A]CACCAGTGCTTGTAGGATAACTGTAGATTTTTTAAATTCAATATATTTTATCCTTTCATG-3'
Protein context (NP_060606.3, residues 3081-3101): KSTVILQALV[Arg3091Cys]GWLVRKRFLE